The following is an entry in ClinVar:

ClinVar aggregate classification (germline): Uncertain significance (1 of 4 stars; one submission).

Conditions:
Tuberous sclerosis 2 (TSC2). Identifiers: Orphanet 805, MedGen C1860707, MONDO:0013199, OMIM 613254.

Submission:

Labcorp Genetics (formerly Invitae), Labcorp
Classification: Uncertain significance for Tuberous sclerosis 2. Last evaluated: 2022-07-06. Review status: criteria provided, single submitter. Criteria: Invitae Variant Classification Sherloc (09022015). Collection method: clinical testing. Allele origin: germline.
Comment: This sequence change replaces threonine, which is neutral and polar, with proline, which is neutral and non-polar, at codon 1462 of the TSC2 protein (p.Thr1462Pro). This variant is not present in population databases (gnomAD no frequency). In summary, the available evidence is currently insufficient to determine the role of this variant in disease. Therefore, it has been classified as a Variant of Uncertain Significance. Advanced modeling of protein sequence and biophysical properties (such as structural, functional, and spatial information, amino acid conservation, physicochemical variation, residue mobility, and thermodynamic stability) performed at Invitae indicates that this missense variant is not expected to disrupt TSC2 protein function. This variant has not been reported in the literature in individuals affected with TSC2-related conditions.

NM_000548.5(TSC2):c.4384A>C (p.Thr1462Pro)

Gene: TSC2 (TSC complex subunit 2; plus strand). Cytogenetic location: 16p13.3.
Variant type: single nucleotide variant.
Coding change: c.4384A>C on transcript NM_000548.5 (MANE Select); coding-DNA position 4384, A replaced by C.
Protein change: p.Thr1462Pro; replaces threonine 1462 with proline.
Molecular consequence: missense variant.
Genome position (GRCh38, 1-based): chr16:2,084,606, A>C. VCF-style: chr16-2084606-A-C. GRCh37 (hg19) VCF-style: chr16-2134607-A-C.
Other names: c.4072A>C, p.Thr1358Pro (NM_001406678.1); c.4036A>C, p.Thr1346Pro (NM_001406679.1); c.3784A>C, p.Thr1262Pro (NM_001406680.1); c.3724A>C, p.Thr1242Pro (NM_001406681.1); c.3715A>C, p.Thr1239Pro (NM_001406682.1, NM_001406683.1); c.3712A>C, p.Thr1238Pro (NM_001406684.1); c.3586A>C, p.Thr1196Pro (NM_001406685.1, NM_001406686.1); c.3583A>C, p.Thr1195Pro (NM_001406687.1, NM_001406688.1); and 26 more; short protein forms T1218P, T1242P, T1389P, T1395P, T1396P, T1425P, T1426P, T1438P.
Identifiers: ClinVar variation 1913198 (VCV001913198.5), dbSNP rs2544283052, ClinGen allele CA394301844.